The following is an entry in ClinVar:

NM_001369.3(DNAH5):c.8815G>A (p.Val2939Ile)

Gene: DNAH5 (dynein axonemal heavy chain 5; minus strand). Cytogenetic location: 5p15.2.
Variant type: single nucleotide variant.
Coding change: c.8815G>A on transcript NM_001369.3 (MANE Select); coding-DNA position 8815, G replaced by A.
Protein change: p.Val2939Ile; replaces valine 2939 with isoleucine.
Molecular consequence: missense variant.
Genome position (GRCh38, 1-based): chr5:13,786,184, C>T on the plus strand (G>A on the coding strand, the complement: DNAH5 is on the minus strand). VCF-style: chr5-13786184-C-T. GRCh37 (hg19) VCF-style: chr5-13786293-C-T.
Other names: c.8815G>A (NM_001369.2); short protein forms V2939I.
Identifiers: ClinVar variation 1674486 (VCV001674486.12), dbSNP rs566080915, ClinGen allele CA3202728.

ClinVar aggregate classification (germline): Conflicting classifications of pathogenicity. Review status: criteria provided, conflicting classifications (1 of 4 stars). 3 submissions from 3 submitters: Uncertain significance (1); Likely benign (2). Last evaluated 2025-05-18.

Conditions:
Primary ciliary dyskinesia. Also called: Ciliary dyskinesia. Identifiers: Orphanet 244, MedGen C0008780, MONDO:0016575, HP:0012265.
Primary ciliary dyskinesia 3. Identifiers: Orphanet 244, MedGen C1837618, MONDO:0012085, OMIM 608644.

Allele frequency attached by ClinVar (database versions not stated): gnomAD 0.00004 and 0.00005; TOPMed 0.00005; ExAC 0.00010; gnomAD exomes 0.00013; 1000 Genomes Project 30x 0.00016; 1000 Genomes Project 0.00020.
gnomAD v4.1: 45 of 1,613,924 alleles (0.0028%); highest among the groups gnomAD compares: East Asian, 0.085%; no homozygotes.

Submissions (3):

Labcorp Genetics (formerly Invitae), Labcorp
Classification: Likely benign for Primary ciliary dyskinesia. Last evaluated: 2025-05-18. Review status: criteria provided, single submitter. Criteria: Invitae Variant Classification Sherloc (09022015). Collection method: clinical testing. Allele origin: germline.

Ambry Genetics
Classification: Likely benign for Primary ciliary dyskinesia. Last evaluated: 2023-02-28. Review status: criteria provided, single submitter. Criteria: Ambry Variant Classification Scheme 2023. Collection method: clinical testing. Allele origin: germline.

Juno Genomics, Hangzhou Juno Genomics, Inc
Classification: Uncertain significance for Primary ciliary dyskinesia 3. Review status: criteria provided, single submitter. Criteria: ACMG Guidelines, 2015. Collection method: clinical testing. Allele origin: germline.
Comment: Multiple lines of computational evidence suggest no impact on gene or gene product.;For recessive disorders, detected in trans with a pathogenic variant.